The following is an entry in ClinVar:

ClinVar aggregate classification (germline): Uncertain significance. Review status: criteria provided, multiple submitters, no conflicts (2 of 4 stars). 2 submissions from 2 submitters: Uncertain significance (2). Last evaluated 2022-07-12.

Conditions:
Intellectual disability, autosomal recessive 42 (NEDDSBA). Also called: GLYCOSYLPHOSPHATIDYLINOSITOL BIOSYNTHESIS DEFECT 9; Neurodevelopmental disorder with dysmorphic features, spasticity, and brain abnormalities. Identifiers: Orphanet 88616, MedGen C4014343, MONDO:0014348, OMIM 615802.

Allele frequency attached by ClinVar (database versions not stated): gnomAD exomes below 0.00001; TOPMed 0.00001; gnomAD 0.00002.
gnomAD v4.1: 7 of 1,610,200 alleles (0.00043%); highest among the groups gnomAD compares: Non-Finnish European, 0.00059%; no homozygotes.

Submissions (2):

Labcorp Genetics (formerly Invitae), Labcorp
Classification: Uncertain significance for Intellectual disability, autosomal recessive 42. Last evaluated: 2022-07-12. Review status: criteria provided, single submitter. Criteria: Invitae Variant Classification Sherloc (09022015). Collection method: clinical testing. Allele origin: germline.
Comment: This sequence change replaces aspartic acid, which is acidic and polar, with glutamic acid, which is acidic and polar, at codon 281 of the PGAP1 protein (p.Asp281Glu). This variant is present in population databases (no rsID available, gnomAD 0.007%). This variant has not been reported in the literature in individuals affected with PGAP1-related conditions. ClinVar contains an entry for this variant (Variation ID: 1334030). Algorithms developed to predict the effect of missense changes on protein structure and function (SIFT, PolyPhen-2, Align-GVGD) all suggest that this variant is likely to be disruptive. In summary, the available evidence is currently insufficient to determine the role of this variant in disease. Therefore, it has been classified as a Variant of Uncertain Significance.

CENTOGENE GmbH and LLC - Guiding Precision Medicine
Classification: Uncertain significance for Intellectual disability, autosomal recessive 42. Last evaluated: 2020-09-18. Review status: criteria provided, single submitter. Criteria: ACMG Guidelines, 2015. Collection method: clinical testing. Allele origin: germline. Affected: yes.

NM_024989.4(PGAP1):c.843C>A (p.Asp281Glu)

Gene: PGAP1 (post-GPI attachment to proteins inositol deacylase 1; minus strand). Cytogenetic location: 2q33.1.
Variant type: single nucleotide variant.
Coding change: c.843C>A on transcript NM_024989.4 (MANE Select); coding-DNA position 843, C replaced by A.
Protein change: p.Asp281Glu; replaces aspartic acid 281 with glutamic acid.
Molecular consequence: missense variant. On other transcripts: 5 prime UTR variant (1).
Genome position (GRCh38, 1-based): chr2:196,898,334, G>T on the plus strand (C>A on the coding strand, the complement: PGAP1 is on the minus strand). VCF-style: chr2-196898334-G-T. GRCh37 (hg19) VCF-style: chr2-197763058-G-T.
Other names: c.321C>A, p.Asp107Glu (NM_001321099.2); c.-269C>A (NM_001321100.2); short protein forms D107E, D281E.
Identifiers: ClinVar variation 1334030 (VCV001334030.7), dbSNP rs1176534322, ClinGen allele CA350177138.